The following is an entry in ClinVar:

ClinVar aggregate classification (germline): Pathogenic (1 of 4 stars; one submission).

Conditions:
Lynch syndrome 5 (LYNCH5). Also called: Colorectal cancer, hereditary nonpolyposis, type 5; Hereditary non-polyposis colorectal cancer, type 5. Identifiers: Orphanet 144, MedGen C1833477, MONDO:0013710, OMIM 614350. Disease mechanism: loss of function.

Submission:

Myriad Genetics, Inc.
Classification: Pathogenic for Lynch syndrome 5. Last evaluated: 2023-08-09. Review status: criteria provided, single submitter. Criteria: Myriad Autosomal Dominant, Autosomal Recessive and X-Linked Classification Criteria (2023). Collection method: clinical testing. Allele origin: unknown.
Comment: This variant is considered pathogenic. This variant creates a frameshift predicted to result in premature protein truncation.

NM_000179.3(MSH6):c.203del (p.Lys68fs)

Gene: MSH6 (mutS homolog 6; plus strand). Cytogenetic location: 2p16.3.
Variant type: Deletion.
Coding change: c.203del on transcript NM_000179.3 (MANE Select); coding-DNA position 203, one base deleted (A; older notation c.203delA).
Protein change: p.Lys68fs; shifts the reading frame from lysine 68.
Molecular consequence: frameshift variant. On other transcripts: 5 prime UTR variant (7), non-coding transcript variant (5), intron variant (5).
Genome position (GRCh38, 1-based): chr2:47,783,436, A deleted; the last of 2 consecutive A bases (chr2:47,783,435-47,783,436); deleting either gives the same sequence. VCF-style (leftmost placement, unchanged base first): chr2-47783434-CA-C. GRCh37 (hg19) VCF-style: chr2-48010573-CA-C.
Other names: c.203del, p.Lys68fs (NM_001281492.2, NM_001406795.1, NM_001406796.1 and 9 more transcripts); c.-534del (NM_001281493.2, NM_001406811.1); c.-126del (NM_001406799.1); c.148del, p.Arg50fs (NM_001406804.1); c.-726del (NM_001406807.1); c.-381del (NM_001406812.1); c.-792del (NM_001406814.1); c.-337del (NM_001406816.1); and 3 more; short protein forms K68fs, R50fs.
Identifiers: ClinVar variation 2673599 (VCV002673599.1), dbSNP rs2103941957, ClinGen allele CA2658965805.